The following is an entry in ClinVar:

ClinVar aggregate classification (germline): Uncertain significance (1 of 4 stars; one submission).

Conditions:
Familial cancer of breast. Also called: BREAST CANCER, FAMILIAL; Hereditary breast cancer; hereditary breast carcinoma. Identifiers: Orphanet 227535, MedGen C0346153, MONDO:0016419, OMIM 114480. Disease mechanism: loss of function.

Submission:

Labcorp Genetics (formerly Invitae), Labcorp
Classification: Uncertain significance for Familial cancer of breast. Last evaluated: 2021-12-06. Review status: criteria provided, single submitter. Criteria: Invitae Variant Classification Sherloc (09022015). Collection method: clinical testing. Allele origin: germline.
Comment: This variant, c.2735_2740del, results in the deletion of 2 amino acid(s) of the PALB2 protein (p.Trp912_His913del), but otherwise preserves the integrity of the reading frame. This variant is not present in population databases (gnomAD no frequency). This variant has not been reported in the literature in individuals affected with PALB2-related conditions. Experimental studies and prediction algorithms are not available or were not evaluated, and the functional significance of this variant is currently unknown. In summary, the available evidence is currently insufficient to determine the role of this variant in disease. Therefore, it has been classified as a Variant of Uncertain Significance.

NM_024675.4(PALB2):c.2735_2740del (p.Trp912_His913del)

Gene: PALB2 (partner and localizer of BRCA2; minus strand). Cytogenetic location: 16p12.2.
Variant type: Deletion.
Coding change: c.2735_2740del on transcript NM_024675.4 (MANE Select); coding-DNA positions 2735 to 2740, 6 bases deleted (GGCACT; older notation c.2735_2740delGGCACT).
Protein change: p.Trp912_His913del.
Molecular consequence: inframe deletion. On other transcripts: inframe indel (15).
Genome position (GRCh38, 1-based): chr16:23,626,244-23,626,249, AGTGCC deleted on the plus strand (GGCACT on the coding strand, the reverse complement: PALB2 is on the minus strand); deleting any 6 consecutive bases within chr16:23,626,244-23,626,251 gives the same sequence; the c. name uses the placement nearest the transcript's 3' end. VCF-style (leftmost placement, unchanged base first): chr16-23626243-AAGTGCC-A. GRCh37 (hg19) VCF-style: chr16-23637564-AAGTGCC-A.
Other names: c.2673_2678delCTGGCA, p.Trp892_His893del (NM_001407296.1); c.2661_2666delCTGGCA, p.Trp888_His889del (NM_001407297.1); c.2733_2738delCTGGCA, p.Trp912_His913del (NM_001407299.1, NM_001407300.1, NM_001407301.1); c.1848_1853delCTGGCA, p.Trp617_His618del (NM_001407304.1, NM_001407305.1, NM_001407306.1 and 4 more transcripts); c.945_950delCTGGCA, p.Trp316_His317del (NM_001407312.1, NM_001407313.1); c.267_272delCTGGCA, p.Trp90_His91del (NM_001407314.1).
Identifiers: ClinVar variation 2034458 (VCV002034458.4), dbSNP rs2506369044, ClinGen allele CA2580091272.